The following is an entry in ClinVar:

ClinVar aggregate classification (germline): Uncertain significance (1 of 4 stars; one submission).

Conditions:
Congenital myasthenic syndrome 2A. Also called: Myasthenic syndrome, congenital, 2a, slow-channel. Identifiers: Orphanet 590, MedGen C4225374, MONDO:0014581, OMIM 616313.

Submission:

Labcorp Genetics (formerly Invitae), Labcorp
Classification: Uncertain significance for Congenital myasthenic syndrome 2A. Last evaluated: 2024-01-13. Review status: criteria provided, single submitter. Criteria: Invitae Variant Classification Sherloc (09022015). Collection method: clinical testing. Allele origin: germline.
Comment: This variant is a gross deletion of the genomic region encompassing exon(s) 11 of the CHRNB1 gene, which includes the termination codon. This deletion extends beyond the assayed region for this gene and therefore may encompass additional genes. While this deletion is not anticipated to lead to nonsense mediated decay, it is expected to alter mRNA translation or result in a truncated protein product. This variant has not been reported in the literature in individuals affected with CHRNB1-related conditions. Experimental studies and prediction algorithms are not available or were not evaluated, and the functional significance of this variant is currently unknown. In summary, the available evidence is currently insufficient to determine the role of this variant in disease. Therefore, it has been classified as a Variant of Uncertain Significance.

NC_000017.10:g.(?_7359882)_(7360042_?)del

Gene: CHRNB1 (cholinergic receptor nicotinic beta 1 subunit; plus strand). Cytogenetic location: 17p13.1.
Variant type: Deletion.
Identifiers: ClinVar variation 2423389 (VCV002423389.4).